The following is an entry in ClinVar:

ClinVar aggregate classification (germline): Uncertain significance (1 of 4 stars; one submission).

Allele frequency attached by ClinVar (database versions not stated): gnomAD exomes 0.00001; TOPMed 0.00001; gnomAD 0.00003.
gnomAD v4.1: 18 of 1,533,818 alleles (0.0012%); highest among the groups gnomAD compares: Middle Eastern, 0.018%; no homozygotes.

Submission:

Labcorp Genetics (formerly Invitae), Labcorp
Classification: Uncertain significance. Last evaluated: 2022-01-26. Review status: criteria provided, single submitter. Criteria: Invitae Variant Classification Sherloc (09022015). Collection method: clinical testing. Allele origin: germline.
Comment: This variant has not been reported in the literature in individuals affected with PLEKHG2-related conditions. This variant is not present in population databases (gnomAD no frequency). This sequence change replaces arginine, which is basic and polar, with tryptophan, which is neutral and slightly polar, at codon 848 of the PLEKHG2 protein (p.Arg848Trp). In summary, the available evidence is currently insufficient to determine the role of this variant in disease. Therefore, it has been classified as a Variant of Uncertain Significance. Algorithms developed to predict the effect of missense changes on protein structure and function are either unavailable or do not agree on the potential impact of this missense change (SIFT: "Deleterious"; PolyPhen-2: "Probably Damaging"; Align-GVGD: "Class C0").

NM_022835.3(PLEKHG2):c.2542C>T (p.Arg848Trp)

Gene: PLEKHG2 (pleckstrin homology and RhoGEF domain containing G2; plus strand). Cytogenetic location: 19q13.2.
Variant type: single nucleotide variant.
Coding change: c.2542C>T on transcript NM_022835.3 (MANE Select); coding-DNA position 2542, C replaced by T.
Protein change: p.Arg848Trp; replaces arginine 848 with tryptophan.
Molecular consequence: missense variant. On other transcripts: intron variant (1).
Genome position (GRCh38, 1-based): chr19:39,423,596, C>T. VCF-style: chr19-39423596-C-T. GRCh37 (hg19) VCF-style: chr19-39914236-C-T.
Other names: c.2365C>T, p.Arg789Trp (NM_001351693.2); c.1677+1308C>T (NM_001351694.2); short protein forms R789W, R848W.
Identifiers: ClinVar variation 1916084 (VCV001916084.5), dbSNP rs955652324, ClinGen allele CA308244853.